The following is an entry in ClinVar:

NM_001346249.2(RALGAPA1):c.6945G>A (p.Lys2315=)

Gene: RALGAPA1 (Ral GTPase activating protein catalytic subunit alpha 1; minus strand). Cytogenetic location: 14q13.2.
Variant type: single nucleotide variant.
Coding change: c.6945G>A on transcript NM_001346249.2 (MANE Select); coding-DNA position 6945, G replaced by A.
Protein change: p.Lys2315=; no amino-acid change (lysine 2315 retained).
Molecular consequence: synonymous variant.
Genome position (GRCh38, 1-based): chr14:35,605,694, C>T on the plus strand (G>A on the coding strand, the complement: RALGAPA1 is on the minus strand). VCF-style: chr14-35605694-C-T. GRCh37 (hg19) VCF-style: chr14-36074900-C-T.
Other names: c.5466G>A, p.Lys1822= (NM_001283043.3); c.5568G>A, p.Lys1856= (NM_001283044.3, NM_001346245.2, NM_001346247.2); c.6804G>A, p.Lys2268= (NM_001330075.3, NM_001346248.2); c.5427G>A, p.Lys1809= (NM_001346243.2, NM_001346246.2, NM_014990.3 and 1 more transcripts).
Identifiers: ClinVar variation 2644166 (VCV002644166.24), dbSNP rs865842919, ClinGen allele CA485908933.
Genomic context (GRCh38, chr14:35,605,694, plus strand): 5'-TGTATTGGTGAGAATGGAGTGTTTGTCTTCTTGTCCTTCAGCAACATAAAATACTGCAAT[C>T]TTGTGTGTCTCTCGGCTATAAAACAAAAGATTACACCATTAATTTAATCACTATTTTATC-3'
Protein context (NP_001333178.1, residues 2305-2325): LDSRQCRETH[Lys2315=]IAVFYVAEGQ

ClinVar aggregate classification (germline): Likely benign (1 of 4 stars; one submission).

Allele frequency attached by ClinVar (database versions not stated): gnomAD exomes below 0.00001.
gnomAD v4.1: 1 of 1,608,926 alleles (0.000062%); highest among the groups gnomAD compares: Non-Finnish European, 0.000085%; no homozygotes.

Submission:

CeGaT Center for Human Genetics Tuebingen
Classification: Likely benign. Last evaluated: 2022-07-01. Review status: criteria provided, single submitter. Criteria: CeGaT Center For Human Genetics Tuebingen Variant Classification Criteria Version 2. Collection method: clinical testing. Allele origin: germline. Affected: yes. Observed: 2 variant alleles.
Comment: RALGAPA1: BP4, BP7